The following is an entry in ClinVar:

ClinVar aggregate classification (germline): Pathogenic (1 of 4 stars; one submission).

Conditions:
Gorlin syndrome. Also called: Nevoid Basal Cell Carcinoma Syndrome; Basal cell nevus syndrome. Identifiers: Orphanet 377, MedGen C0004779, MONDO:0007187.

Submission:

Labcorp Genetics (formerly Invitae), Labcorp
Classification: Pathogenic for Gorlin syndrome. Last evaluated: 2022-08-12. Review status: criteria provided, single submitter. Criteria: Invitae Variant Classification Sherloc (09022015). Collection method: clinical testing. Allele origin: germline.
Comment: This variant is not present in population databases (gnomAD no frequency). This sequence change creates a premature translational stop signal (p.Ser985*) in the PTCH1 gene. It is expected to result in an absent or disrupted protein product. Loss-of-function variants in PTCH1 are known to be pathogenic (PMID: 16301862, 16419085). For these reasons, this variant has been classified as Pathogenic. ClinVar contains an entry for this variant (Variation ID: 1408755). This premature translational stop signal has been observed in individual(s) with basal cell nevus syndrome (PMID: 30411536).

Literature cited by the submitters: PubMed 16301862; PubMed 16419085; PubMed 30411536.

NM_000264.5(PTCH1):c.2954C>G (p.Ser985Ter)

Gene: PTCH1 (patched 1; minus strand). Cytogenetic location: 9q22.32.
Variant type: single nucleotide variant.
Coding change: c.2954C>G on transcript NM_000264.5 (MANE Select); coding-DNA position 2954, C replaced by G.
Protein change: p.Ser985Ter; replaces serine 985 with a stop codon.
Molecular consequence: nonsense. On other transcripts: non-coding transcript variant (1).
Genome position (GRCh38, 1-based): chr9:95,458,227, G>C on the plus strand (C>G on the coding strand, the complement: PTCH1 is on the minus strand). VCF-style: chr9-95458227-G-C. GRCh37 (hg19) VCF-style: chr9-98220509-G-C.
Other names: c.2756C>G, p.Ser919Ter (NM_001083602.3); c.2951C>G, p.Ser984Ter (NM_001083603.3); c.2501C>G, p.Ser834Ter (NM_001083604.3, NM_001083605.3, NM_001083606.3 and 1 more transcripts); c.2798C>G, p.Ser933Ter (NM_001354918.2); short protein forms S834*, S919*, S933*, S984*, S985*.
Identifiers: ClinVar variation 1408755 (VCV001408755.8), dbSNP rs760297274, ClinGen allele CA374112709.
Genomic context (GRCh38, chr9:95,458,227, plus strand): 5'-CCCAGGCTCGTATAGTTGCTGCAGATGGTCCTTACTTTTTCAATTGCCTCCACAAAGTCT[G>C]AGGTGTCCCGCAAGCCGTTGAGGTAGAAAGGGAACTGGGCATACTCGATGGGCTCTGCTG-3'